The following is an entry in ClinVar:

ClinVar aggregate classification (germline): Benign. Review status: criteria provided, multiple submitters, no conflicts (2 of 4 stars). 5 submissions from 5 submitters: Benign (5). Last evaluated 2026-02-04.

Conditions:
Ehlers-Danlos syndrome, spondylodysplastic type, 3. Also called: Ehlers-Danlos syndrome, spondylocheirodysplastic type. Identifiers: Orphanet 157965, MedGen C2676510, MONDO:0012873, OMIM 612350.

Allele frequency attached by ClinVar (database versions not stated): 1000 Genomes Project 30x 0.27530; gnomAD 0.27982 and 0.28057; TOPMed 0.28394; ExAC 0.30729; gnomAD exomes 0.31022 and 0.31555; ESP Exome Variant Server 0.26881; 1000 Genomes Project 0.27336.

Submissions (5):

Labcorp Genetics (formerly Invitae), Labcorp
Classification: Benign for Ehlers-Danlos syndrome, spondylodysplastic type, 3. Last evaluated: 2026-02-04. Review status: criteria provided, single submitter. Criteria: Invitae Variant Classification Sherloc (09022015). Collection method: clinical testing. Allele origin: germline.

Women's Health and Genetics/Laboratory Corporation of America, LabCorp
Classification: Benign. Last evaluated: 2026-01-21. Review status: criteria provided, single submitter. Criteria: LabCorp Variant Classification Summary - May 2015. Collection method: clinical testing. Allele origin: germline.

Blueprint Genetics
Classification: Benign. Last evaluated: 2024-11-27. Review status: criteria provided, single submitter. Criteria: ACMG Guidelines, 2015. Collection method: clinical testing. Allele origin: germline.

GeneDx
Classification: Benign. Last evaluated: 2016-09-30. Review status: criteria provided, single submitter. Criteria: GeneDx Variant Classification (06012015). Collection method: clinical testing. Allele origin: germline. Affected: yes.
Comment: This variant is considered likely benign or benign based on one or more of the following criteria: it is a conservative change, it occurs at a poorly conserved position in the protein, it is predicted to be benign by multiple in silico algorithms, and/or has population frequency not consistent with disease.

Breakthrough Genomics
Classification: Benign. Review status: criteria provided, single submitter. Criteria: ACMG Guidelines, 2015. Collection method: not provided. Allele origin: germline. Inheritance: Autosomal recessive inheritance. Affected: yes.

NM_001128225.3(SLC39A13):c.301+20C>T

Gene: SLC39A13 (solute carrier family 39 member 13; plus strand). Cytogenetic location: 11p11.2.
Variant type: single nucleotide variant.
Coding change: c.301+20C>T on transcript NM_001128225.3 (MANE Select); 20 bases into the intron after coding-DNA position 301, C replaced by T.
Molecular consequence: intron variant.
Genome position (GRCh38, 1-based): chr11:47,410,415, C>T. VCF-style: chr11-47410415-C-T. GRCh37 (hg19) VCF-style: chr11-47431966-C-T.
Other names: c.301+20C>T (NM_152264.5, NM_001330245.2).
Identifiers: ClinVar variation 384706 (VCV000384706.12), dbSNP rs755555, ClinGen allele CA5975710.